The following is an entry in ClinVar:

NM_015046.7(SETX):c.3311A>C (p.Gln1104Pro)

Gene: SETX (senataxin; minus strand). Cytogenetic location: 9q34.13.
Variant type: single nucleotide variant.
Coding change: c.3311A>C on transcript NM_015046.7 (MANE Select); coding-DNA position 3311, A replaced by C.
Protein change: p.Gln1104Pro; replaces glutamine 1104 with proline.
Molecular consequence: missense variant.
Genome position (GRCh38, 1-based): chr9:132,328,287, T>G on the plus strand (A>C on the coding strand, the complement: SETX is on the minus strand). VCF-style: chr9-132328287-T-G. GRCh37 (hg19) VCF-style: chr9-135203674-T-G.
Other names: c.3311A>C, p.Gln1104Pro (NM_001351527.2, NM_001351528.2); short protein forms Q1104P.
Identifiers: ClinVar variation 586542 (VCV000586542.2), dbSNP rs777787438, ClinGen allele CA375330954.

ClinVar aggregate classification (germline): Uncertain significance (1 of 4 stars; one submission).

gnomAD v4.1: 14 of 1,614,078 alleles (0.00087%); highest among the groups gnomAD compares: Non-Finnish European, 0.0012%; no homozygotes.

Submission:

Athena Diagnostics
Classification: Uncertain significance. Last evaluated: 2025-10-24. Review status: criteria provided, single submitter. Criteria: Athena Diagnostics Criteria. Collection method: clinical testing. Allele origin: unknown.
Comment: Available data are insufficient to determine the clinical significance of the variant at this time. This variant has not been reported in large, multi-ethnic general populations. Polyphen and MutationTaster predict this amino acid change may be benign.